The following is an entry in ClinVar:

NM_001244008.2(KIF1A):c.2658del (p.Ser887fs)

Gene: KIF1A (kinesin family member 1A; minus strand). Cytogenetic location: 2q37.3.
Variant type: Deletion.
Coding change: c.2658del on transcript NM_001244008.2 (MANE Select); coding-DNA position 2658, one base deleted (C; older notation c.2658delC).
Protein change: p.Ser887fs; shifts the reading frame from serine 887.
Molecular consequence: frameshift variant. On other transcripts: intron variant (18).
Genome position (GRCh38, 1-based): chr2:240,757,519, G deleted on the plus strand (C on the coding strand, the reverse complement: KIF1A is on the minus strand); the first of 5 consecutive G bases (chr2:240,757,519-240,757,523); deleting any one gives the same sequence. VCF-style (leftmost placement, unchanged base first): chr2-240757518-AG-A. GRCh37 (hg19) VCF-style: chr2-241696935-AG-A.
Other names: c.2733del, p.Ser912fs (NM_001379631.1); c.2607del, p.Ser870fs (NM_001379632.1); c.2631del, p.Ser878fs (NM_001379633.1, NM_001379642.1, NM_001379645.1); c.2555+841del (NM_001379653.1, NM_001379650.1, NM_001379640.1 and 6 more transcripts); c.2657+841del (NM_001379635.1, NM_001330290.2, NM_001379646.1 and 1 more transcripts); c.2630+841del (NM_001379637.1, NM_001379648.1); c.2582+841del (NM_001320705.2, NM_001379638.1, NM_001330289.2); short protein forms S870fs, S878fs, S887fs, S912fs.
Identifiers: ClinVar variation 1313589 (VCV001313589.2), dbSNP rs2125869275, ClinGen allele CA540752739.

ClinVar aggregate classification (germline): Uncertain significance (1 of 4 stars; one submission).

Submission:

GeneDx
Classification: Uncertain significance. Last evaluated: 2020-10-29. Review status: criteria provided, single submitter. Criteria: GeneDx Variant Classification Process June 2021. Collection method: clinical testing. Allele origin: germline. Affected: yes.
Comment: Located in an alternate transcript of the gene; Frameshift variant predicted to result in protein truncation or nonsense mediated decay in a gene for which loss-of-function is not a known mechanism of disease; Has not been previously published as pathogenic or benign to our knowledge